The following is an entry in ClinVar:

NM_006088.6(TUBB4B):c.278-5C>T

Gene: TUBB4B (tubulin beta 4B class IVb; plus strand). Cytogenetic location: 9q34.3.
Variant type: single nucleotide variant.
Coding change: c.278-5C>T on transcript NM_006088.6 (MANE Select); 5 bases into the intron before coding-DNA position 278, C replaced by T.
Molecular consequence: intron variant.
Genome position (GRCh38, 1-based): chr9:137,242,491, C>T. VCF-style: chr9-137242491-C-T. GRCh37 (hg19) VCF-style: chr9-140136943-C-T.
Other names: c.278-5C>T (NM_006088.5).
Identifiers: ClinVar variation 4906198 (VCV004906198.2).

ClinVar aggregate classification (germline): Likely benign. Review status: criteria provided, multiple submitters, no conflicts (2 of 4 stars). 2 submissions from 2 submitters: Likely benign (2). Last evaluated 2024-12-23.

Conditions:
TUBB4B-related disorder. Also called: TUBB4B-related condition.

gnomAD v4.1: 29 of 1,610,922 alleles (0.0018%); highest among the groups gnomAD compares: African/African-American, 0.015%; no homozygotes.

Submissions (2):

PreventionGenetics, part of Exact Sciences
Classification: Likely benign for TUBB4B-related condition. Last evaluated: 2024-12-23. Review status: criteria provided, single submitter. Criteria: ACMG Guidelines, 2015. Collection method: clinical testing. Allele origin: germline.
Comment: This variant is classified as likely benign based on ACMG/AMP sequence variant interpretation guidelines (Richards et al. 2015 PMID: 25741868, with internal and published modifications).

Blueprint Genetics
Classification: Likely benign. Last evaluated: 2024-09-23. Review status: criteria provided, single submitter. Criteria: ACMG Guidelines, 2015. Collection method: clinical testing. Allele origin: germline.